The following is an entry in ClinVar:

ClinVar aggregate classification (germline): Uncertain significance. Review status: criteria provided, multiple submitters, no conflicts (2 of 4 stars). 3 submissions from 3 submitters: Uncertain significance (3). Last evaluated 2026-06-01.

Conditions:
Hereditary cancer-predisposing syndrome. Also called: Hereditary neoplastic syndrome; Neoplastic Syndromes, Hereditary; Hereditary Cancer Syndrome; Tumor predisposition. Identifiers: Orphanet 140162, MedGen C0027672, MeSH D009386, MONDO:0015356.
Melanoma-pancreatic cancer syndrome. Identifiers: Orphanet 404560, MedGen C1838547, MONDO:0011713, OMIM 606719. Disease mechanism: loss of function.
Familial melanoma. Also called: Hereditary melanoma; Hereditary cutaneous melanoma. Identifiers: Orphanet 618, MedGen C1512419, MONDO:0018961.

Submissions (3):

Ambry Genetics
Classification: Uncertain significance for Hereditary cancer-predisposing syndrome. Last evaluated: 2026-06-01. Review status: criteria provided, single submitter. Criteria: Ambry Variant Classification Scheme 2023. Collection method: clinical testing. Allele origin: germline.
Comment: The p.A60V variant (also known as c.179C>T), located in coding exon 2 of the CDKN2A gene, results from a C to T substitution at nucleotide position 179. Of note, this variant is also known as c.222C>T (p.G74G) in the p14(ARF) isoform. The alanine at codon 60 is replaced by valine, an amino acid with similar properties. This variant has been reported in the literature in individuals with melanoma (Orlow I et al. J Invest Dermatol, 2007 May;127:1234-43; Begg CB et al. J Natl Cancer Inst, 2005 Oct;97:1507-15; Berwick M et al. Cancer Epidemiol Biomarkers Prev, 2006 Aug;15:1520-5; Kannengiesser C et al. Hum Mutat, 2009 Apr;30:564-74; Miller PJ et al. Hum Mutat, 2011 Aug;32:900-11; Casula M et al. BMC Cancer, 2019 Aug;19:772). One functional study reports that this variant impaired CDK4 binding and ability to impede cellular proliferation (Kannengiesser C et al. Hum Mutat, 2009 Apr;30:564-74). This amino acid position is highly conserved in available vertebrate species. In addition, this alteration is predicted to be deleterious by in silico analysis. Based on the available evidence, the clinical significance of this variant remains unclear.

Molecular Pathology, Peter Maccallum Cancer Centre
Classification: Uncertain significance for Melanoma-pancreatic cancer syndrome. Last evaluated: 2025-04-24. Review status: criteria provided, single submitter. Criteria: ACMG Guidelines, 2015. Collection method: clinical testing. Allele origin: germline. Inheritance: Autosomal dominant inheritance.

Labcorp Genetics (formerly Invitae), Labcorp
Classification: Uncertain significance for Familial melanoma. Last evaluated: 2022-08-16. Review status: criteria provided, single submitter. Criteria: Invitae Variant Classification Sherloc (09022015). Collection method: clinical testing. Allele origin: germline.
Comment: This sequence change replaces alanine, which is neutral and non-polar, with valine, which is neutral and non-polar, at codon 60 of the CDKN2A (p16INK4a) protein (p.Ala60Val). This variant is not present in population databases (gnomAD no frequency). This missense change has been observed in individual(s) with melanoma (PMID: 16234564, 16896043, 17218939, 19260067, 21462282, 31382929). ClinVar contains an entry for this variant (Variation ID: 570547). Algorithms developed to predict the effect of missense changes on protein structure and function (SIFT, PolyPhen-2, Align-GVGD) all suggest that this variant is likely to be disruptive. Experimental studies have shown that this missense change affects CDKN2A (p16INK4a) function (PMID: 19260067, 21462282). In summary, the available evidence is currently insufficient to determine the role of this variant in disease. Therefore, it has been classified as a Variant of Uncertain Significance.

Literature cited by the submitters: PubMed 16234564 (cited by Ambry Genetics and Labcorp Genetics (formerly Invitae), Labcorp); PubMed 16896043 (cited by Ambry Genetics and Labcorp Genetics (formerly Invitae), Labcorp); PubMed 17218939 (cited by Ambry Genetics and Labcorp Genetics (formerly Invitae), Labcorp); PubMed 19260062 (cited by Ambry Genetics); PubMed 21462282 (cited by Ambry Genetics and Labcorp Genetics (formerly Invitae), Labcorp); PubMed 31382929 (cited by Ambry Genetics and Labcorp Genetics (formerly Invitae), Labcorp); PubMed 19260067 (cited by Labcorp Genetics (formerly Invitae), Labcorp).

NM_000077.5(CDKN2A):c.179C>T (p.Ala60Val)

Gene: CDKN2A (cyclin dependent kinase inhibitor 2A; minus strand). Cytogenetic location: 9p21.3.
Variant type: single nucleotide variant.
Coding change: c.179C>T on transcript NM_000077.5; coding-DNA position 179, C replaced by T.
Protein change: p.Ala60Val; replaces alanine 60 with valine.
Molecular consequence: missense variant (on NM_000077.6). On other transcripts: synonymous variant (1), 3 prime UTR variant (1).
Genome position (GRCh38, 1-based): chr9:21,971,180, G>A on the plus strand (C>T on the coding strand, the complement: CDKN2A is on the minus strand). VCF-style: chr9-21971180-G-A. GRCh37 (hg19) VCF-style: chr9-21971179-G-A.
Other names: c.179C>T, p.Ala60Val (NM_000077.6, NM_001195132.2); c.26C>T, p.Ala9Val (NM_001363763.2); c.222C>T, p.Gly74= (NM_058195.4); c.*102C>T (NM_058197.5); short protein forms A60V, A9V.
Identifiers: ClinVar variation 570547 (VCV000570547.10), dbSNP rs36204594, ClinGen allele CA373086396.